The following is an entry in ClinVar:

NM_001329943.3(KIAA0586):c.411-1359T>G

Gene: KIAA0586 (KIAA0586; plus strand). Cytogenetic location: 14q23.1.
Variant type: single nucleotide variant.
Coding change: c.411-1359T>G on transcript NM_001329943.3 (MANE Select); 1359 bases into the intron before coding-DNA position 411, T replaced by G.
Molecular consequence: intron variant.
Genome position (GRCh38, 1-based): chr14:58,441,347, T>G. VCF-style: chr14-58441347-T-G. GRCh37 (hg19) VCF-style: chr14-58908065-T-G.
Other names: c.569+4T>G (NM_001244189.2); c.366-1359T>G (NM_001244190.2); c.278+4T>G (NM_001244192.2); c.156-1359T>G (NM_001244191.2, NM_001364701.2, NM_001329945.2 and 1 more transcripts); c.411-1359T>G (NM_001329944.2, NM_001329946.2, NM_001329947.2 and 1 more transcripts); c.-10-1359T>G (NM_001244193.2).
Identifiers: ClinVar variation 1461854 (VCV001461854.4), dbSNP rs1051790402, ClinGen allele CA261610359.

ClinVar aggregate classification (germline): Uncertain significance (1 of 4 stars; one submission).

Conditions:
Short-rib thoracic dysplasia 14 with polydactyly (SRTD14). Identifiers: Orphanet 397715, MedGen C4225286, MONDO:0014688, OMIM 616546.
Joubert syndrome 23 (JBTS23). Identifiers: Orphanet 475, MedGen C4084822, MONDO:0014664, OMIM 616490.

Allele frequency attached by ClinVar (database versions not stated): gnomAD exomes 0.00005 and 0.00011; gnomAD 0.00007 and 0.00009; TOPMed 0.00010.
gnomAD v4.1: 28 of 429,836 alleles (0.0065%); highest among the groups gnomAD compares: Admixed American, 0.047%; no homozygotes.

Submission:

Labcorp Genetics (formerly Invitae), Labcorp
Classification: Uncertain significance for Joubert syndrome 23; Short-rib thoracic dysplasia 14 with polydactyly. Last evaluated: 2024-11-11. Review status: criteria provided, single submitter. Criteria: Invitae Variant Classification Sherloc (09022015). Collection method: clinical testing. Allele origin: germline.
Comment: This sequence change falls in intron 6 of the KIAA0586 gene. It does not directly change the encoded amino acid sequence of the KIAA0586 protein. It affects a nucleotide within the consensus splice site. This variant is present in population databases (no rsID available, gnomAD 0.04%). This variant has not been reported in the literature in individuals affected with KIAA0586-related conditions. ClinVar contains an entry for this variant (Variation ID: 1461854). Variants that disrupt the consensus splice site are a relatively common cause of aberrant splicing (PMID: 17576681, 9536098). Algorithms developed to predict the effect of sequence changes on RNA splicing suggest that this variant is not likely to affect RNA splicing. In summary, the available evidence is currently insufficient to determine the role of this variant in disease. Therefore, it has been classified as a Variant of Uncertain Significance.

Literature cited by the submitters: PubMed 17576681; PubMed 9536098.